The following is an entry in ClinVar:

GRCh37/hg19 17p12(chr17:14087934-15484630)x3

Genes: CDRT15 (CMT1A duplicated region transcript 15; minus strand), CDRT4 (CMT1A duplicated region transcript 4; minus strand), TVP23C-CDRT4 (TVP23C-CDRT4 readthrough; minus strand), COX10 (cytochrome c oxidase assembly factor heme A:farnesyltransferase COX10; plus strand), HS3ST3B1 (heparan sulfate-glucosamine 3-sulfotransferase 3B1; plus strand) and 3 more. Cytogenetic location: 17p12.
Variant type: copy number gain.
Change: copy number 3 (three copies instead of two) of chr17:14,087,934-15,484,630 (1.40 Mb, GRCh37 coordinates, 1-based), cytogenetic band 17p12.
Identifiers: ClinVar variation 1807743 (VCV001807743.2).

ClinVar aggregate classification (germline): Pathogenic (1 of 4 stars; one submission).

Submission:

Quest Diagnostics Nichols Institute San Juan Capistrano
Classification: Pathogenic. Last evaluated: 2024-12-29. Review status: criteria provided, single submitter. Criteria: ACMG/ClinGen CNV Guidelines, 2019. Collection method: clinical testing. Allele origin: unknown.
Comment: This copy number gain includes the triplosensitive 17p12 recurrent region (ClinGen ISCA-37436), which includes gene PMP22 (OMIM 601097) and is associated with Charcot-Marie-Tooth disease type 1A (OMIM 118220; Bird 2025). Thus, this CNV is classified as pathogenic. Reference: Bird et al., GeneReviews [Internet]. [updated 2025 Nov 20]. PMID: 20301532